The following is an entry in ClinVar:

ClinVar aggregate classification (germline): Uncertain significance (1 of 4 stars; one submission).

Conditions:
3-methylglutaconic aciduria type 1 (MGCA1). Identifiers: Orphanet 67046, MedGen C0342727, MONDO:0009610, OMIM 250950.

Submission:

Labcorp Genetics (formerly Invitae), Labcorp
Classification: Uncertain significance for 3-methylglutaconic aciduria type 1. Last evaluated: 2017-09-28. Review status: criteria provided, single submitter. Criteria: Invitae Variant Classification Sherloc (09022015). Collection method: clinical testing. Allele origin: germline.
Comment: This sequence change replaces serine with threonine at codon 102 of the AUH protein (p.Ser102Thr). The serine residue is moderately conserved and there is a small physicochemical difference between serine and threonine. This variant is not present in population databases (ExAC no frequency). This variant has not been reported in the literature in individuals with AUH-related disease. Algorithms developed to predict the effect of missense changes on protein structure and function do not agree on the potential impact of this missense change (SIFT: "Tolerated"; PolyPhen-2: "Benign"; Align-GVGD: "Class C0"). In summary, the available evidence is currently insufficient to determine the role of this variant in disease. Therefore, it has been classified as a Variant of Uncertain Significance.

NM_001698.3(AUH):c.304T>A (p.Ser102Thr)

Gene: AUH (AU RNA binding methylglutaconyl-CoA hydratase; minus strand). Cytogenetic location: 9q22.31.
Variant type: single nucleotide variant.
Coding change: c.304T>A on transcript NM_001698.3 (MANE Select); coding-DNA position 304, T replaced by A.
Protein change: p.Ser102Thr; replaces serine 102 with threonine.
Molecular consequence: missense variant. On other transcripts: 5 prime UTR variant (3).
Genome position (GRCh38, 1-based): chr9:91,356,114, A>T on the plus strand (T>A on the coding strand, the complement: AUH is on the minus strand). VCF-style: chr9-91356114-A-T. GRCh37 (hg19) VCF-style: chr9-94118396-A-T.
Other names: c.304T>A, p.Ser102Thr (NM_001306190.2); c.-24T>A (NM_001351431.2, NM_001351432.2, NM_001351433.2); short protein forms S102T.
Identifiers: ClinVar variation 529799 (VCV000529799.1), dbSNP rs1554721818, ClinGen allele CA373836076.